The following is an entry in ClinVar:

ClinVar aggregate classification (germline): Conflicting classifications of pathogenicity. Review status: criteria provided, conflicting classifications (1 of 4 stars). 3 submissions from 3 submitters: Uncertain significance (2); Likely benign (1). Last evaluated 2025-06-17.

Conditions:
Inborn genetic diseases. Identifiers: MedGen C0950123, MeSH D030342.
Gordon syndrome (DA3). Also called: Gordon's syndrome; CAMPTODACTYLY, CLEFT PALATE, AND CLUBFOOT; ARTHROGRYPOSIS MULTIPLEX CONGENITA, DISTAL, TYPE IIA. Identifiers: Orphanet 376, MedGen C0220666, MONDO:0007252, OMIM 114300.
Marden-Walker syndrome (MWKS). Also called: Connective tissue disorder Marden Walker type. Identifiers: Orphanet 2461, MedGen C0796033, MONDO:0009564, OMIM 248700.
Arthrogryposis, distal, with impaired proprioception and touch (DAIPT). Identifiers: MedGen C4310692, MONDO:0014941, OMIM 617146.
Arthrogryposis- oculomotor limitation-electroretinal anomalies syndrome. Also called: ARTHROGRYPOSIS, DISTAL, TYPE 5; ARTHROGRYPOSIS WITH OCULOMOTOR LIMITATION AND ELECTRORETINAL ABNORMALITIES; ARTHROGRYPOSIS, DISTAL, TYPE IIB. Identifiers: Orphanet 1154, MedGen C1862472, MONDO:0007158, OMIM 108145.

gnomAD v4.1: 25 of 1,537,062 alleles (0.0016%); highest among the groups gnomAD compares: East Asian, 0.0098%; no homozygotes.

Submissions (3):

Ambry Genetics
Classification: Likely benign for Inborn genetic diseases. Last evaluated: 2025-06-17. Review status: criteria provided, single submitter. Criteria: Ambry Variant Classification Scheme 2023. Collection method: clinical testing. Allele origin: germline.

Department of Pathology and Laboratory Medicine, Sinai Health System
Classification: Uncertain significance for Arthrogryposis- oculomotor limitation-electroretinal anomalies syndrome; Gordon syndrome; Marden-Walker syndrome; Arthrogryposis, distal, with impaired proprioception and touch. Last evaluated: 2023-10-24. Review status: criteria provided, single submitter. Criteria: ACMG Guidelines, 2015. Collection method: research. Allele origin: germline.

Victorian Clinical Genetics Services, Murdoch Childrens Research Institute
Classification: Uncertain significance for Gordon syndrome. Last evaluated: 2023-07-16. Review status: criteria provided, single submitter. Criteria: ACMG Guidelines, 2015. Collection method: clinical testing. Allele origin: germline. Affected: yes.
Comment: Based on the classification scheme VCGS_Germline_v1.3.4, this variant is classified as VUS-3C. Following criteria are met: 0103 - Loss of function and gain of function are known mechanisms of disease in this gene and are associated with arthrogryposis. Loss of function has generally been shown to be caused by NMD variants, whereas gain of function has generally been associated with missense variants clustered in the C-terminal (PMID: 30988732). (I) 0108 - This gene is associated with both recessive and dominant disease. NMD variants are associated with recessive disease, while missense variants are associated with dominant disease (PMID: 30988732). The phenotypes have been recently regarded as etiologically related (PMID: 24726473). (I) 0200 - Variant is predicted to result in a missense amino acid change from proline to serine. (I) 0251 - This variant is heterozygous. (I) 0304 - Variant is present in gnomAD <0.01 (v3: 2 heterozygotes, 0 homozygotes). (SP) 0309 - An alternative amino acid change at the same position has been observed in gnomAD (v2: 2 heterozygotes, 0 homozygotes). (I) 0504 - Same amino acid change has been observed in placental mammals. (SB) 0600 - Variant is located in the annotated PIEZO domain (DECIPHER). (I) 0705 - No comparable missense variants have previous evidence for pathogenicity. (I) 0807 - This variant has no previous evidence of pathogenicity. (I) 0905 - No published segregation evidence has been identified for this variant. (I) 1007 - No published functional evidence has been identified for this variant. (I) 1208 - Inheritance information for this variant is not currently available in this individual. (I) Legend: (SP) - Supporting pathogenic, (I) - Information, (SB) - Supporting benign

Literature cited by the submitters: PubMed 24726473 (cited by Victorian Clinical Genetics Services, Murdoch Childrens Research Institute); PubMed 30988732 (cited by Victorian Clinical Genetics Services, Murdoch Childrens Research Institute).

NM_001378183.1(PIEZO2):c.4588C>T (p.Pro1530Ser)

Gene: PIEZO2 (piezo type mechanosensitive ion channel component 2; minus strand). Cytogenetic location: 18p11.22.
Variant type: single nucleotide variant.
Coding change: c.4588C>T on transcript NM_001378183.1 (MANE Select); coding-DNA position 4588, C replaced by T.
Protein change: p.Pro1530Ser; replaces proline 1530 with serine.
Molecular consequence: missense variant.
Genome position (GRCh38, 1-based): chr18:10,742,542, G>A on the plus strand (C>T on the coding strand, the complement: PIEZO2 is on the minus strand). VCF-style: chr18-10742542-G-A. GRCh37 (hg19) VCF-style: chr18-10742540-G-A.
Other names: c.4588C>T, p.Pro1530Ser (NM_001410871.1); c.4513C>T, p.Pro1505Ser (NM_022068.4); c.4513C>T (NM_022068.2); short protein forms P1505S, P1530S.
Identifiers: ClinVar variation 3376775 (VCV003376775.3).